The following is an entry in ClinVar:

ClinVar aggregate classification (germline): Likely benign (1 of 4 stars; one submission).

Submission:

GeneDx
Classification: Likely benign. Last evaluated: 2016-05-02. Review status: criteria provided, single submitter. Criteria: GeneDx Variant Classification (06012015). Collection method: clinical testing. Allele origin: germline. Affected: yes.
Comment: This variant is considered likely benign or benign based on one or more of the following criteria: it is a conservative change, it occurs at a poorly conserved position in the protein, it is predicted to be benign by multiple in silico algorithms, and/or has population frequency not consistent with disease.

NM_153026.3(PRICKLE1):c.588+17C>A

Gene: PRICKLE1 (prickle planar cell polarity protein 1; minus strand). Cytogenetic location: 12q12.
Variant type: single nucleotide variant.
Coding change: c.588+17C>A on transcript NM_153026.3 (MANE Select); 17 bases into the intron after coding-DNA position 588, C replaced by A.
Molecular consequence: intron variant.
Genome position (GRCh38, 1-based): chr12:42,468,609, G>T on the plus strand (C>A on the coding strand, the complement: PRICKLE1 is on the minus strand). VCF-style: chr12-42468609-G-T. GRCh37 (hg19) VCF-style: chr12-42862411-G-T.
Other names: c.588+17C>A (NM_001144883.2, NM_001144882.2, NM_001144881.2).
Identifiers: ClinVar variation 385620 (VCV000385620.1), dbSNP rs1057522279, ClinGen allele CA16607285.